The following is an entry in ClinVar:

ClinVar aggregate classification (germline): Benign (1 of 4 stars; one submission).

Conditions:
Glycogen storage disease, type II (IOPD). Also called: Pompe Disease; CARDIOMEGALIA GLYCOGENICA DIFFUSA; GLYCOGENOSIS, GENERALIZED, CARDIAC FORM; GSD II; POMPE DISEASE, INFANTILE-ONSET; GLYCOGEN STORAGE DISEASE II, INFANTILE-ONSET. Identifiers: Orphanet 365, MedGen C0017921, MONDO:0009290, OMIM 232300.

Submission:

Genomenon, Inc
Classification: Benign for Glycogen storage disease, type II. Last evaluated: 2026-07-01. Review status: criteria provided, single submitter. Criteria: Genomenon Sequence Variant Interpretation Standards - Updated. Collection method: curation. Allele origin: germline. Affected: no.
Comment: GAA c.693-491G>A is an intronic variant located in intron 3. This variant is present at high allele frequency in population databases. We classify GAA c.693-491G>A as a benign variant.

NM_000152.5(GAA):c.693-491G>A

Gene: GAA (alpha glucosidase; plus strand). Cytogenetic location: 17q25.3.
Variant type: single nucleotide variant.
Coding change: c.693-491G>A on transcript NM_000152.5 (MANE Select); 491 bases into the intron before coding-DNA position 693, G replaced by A.
Molecular consequence: intron variant.
Genome position (GRCh38, 1-based): chr17:80,107,066, G>A. VCF-style: chr17-80107066-G-A. GRCh37 (hg19) VCF-style: chr17-78080865-G-A.
Other names: c.693-491G>A (NM_001406741.1, NM_001406742.1, NM_001079803.3 and 1 more transcripts).
Identifiers: ClinVar variation 4876419 (VCV004876419.1).